The following is an entry in ClinVar:

ClinVar aggregate classification (germline): Uncertain significance (1 of 4 stars; one submission).

Conditions:
Mitochondrial hypertrophic cardiomyopathy with lactic acidosis due to MTO1 deficiency. Also called: CARDIOMYOPATHY, INFANTILE HYPERTROPHIC MITOCHONDRIAL, AND LACTIC ACIDOSIS; Combined oxidative phosphorylation deficiency 10. Identifiers: Orphanet 314637, MedGen C4749921, MONDO:0013865, OMIM 614702.

Submission:

Labcorp Genetics (formerly Invitae), Labcorp
Classification: Uncertain significance for Mitochondrial hypertrophic cardiomyopathy with lactic acidosis due to MTO1 deficiency. Last evaluated: 2022-08-20. Review status: criteria provided, single submitter. Criteria: Invitae Variant Classification Sherloc (09022015). Collection method: clinical testing. Allele origin: germline.
Comment: This variant results in a copy number gain of the genomic region encompassing exon(s) 1-10 of the MTO1 gene. This region includes the initiator codon of the gene. This copy number gain extends beyond the assayed region for this gene and therefore may encompass additional genes. As the precise location of this event is unknown, it may be in tandem or it may be located elsewhere in the genome. This variant has not been reported in the literature in individuals affected with MTO1-related conditions. In summary, the available evidence is currently insufficient to determine the role of this variant in disease. Therefore, it has been classified as a Variant of Uncertain Significance.

NC_000006.11:g.(?_74171578)_(74202095_?)dup

Gene: MTO1 (mitochondrial tRNA translation optimization 1; plus strand). Cytogenetic location: 6q13.
Variant type: Duplication.
Identifiers: ClinVar variation 1489108 (VCV001489108.4).